The following is an entry in ClinVar:

ClinVar aggregate classification (germline): Uncertain significance (1 of 4 stars; one submission).

Allele frequency attached by ClinVar (database versions not stated): gnomAD exomes below 0.00001 and 0.00001; TOPMed 0.00002; ESP Exome Variant Server 0.00008.
gnomAD v4.1: 6 of 1,614,052 alleles (0.00037%); highest among the groups gnomAD compares: African/African-American, 0.0067%; no homozygotes.

Submission:

Laboratorio de Genetica e Diagnostico Molecular, Hospital Israelita Albert Einstein
Classification: Uncertain significance. Last evaluated: 2021-12-07. Review status: criteria provided, single submitter. Criteria: ACMG Guidelines, 2015. Collection method: clinical testing. Allele origin: germline. Affected: yes.
Comment: ACMG classification criteria: PM2, BP4

NM_005121.3(MED13):c.1099A>G (p.Ile367Val)

Gene: MED13 (mediator complex subunit 13; minus strand). Cytogenetic location: 17q23.2.
Variant type: single nucleotide variant.
Coding change: c.1099A>G on transcript NM_005121.3 (MANE Select); coding-DNA position 1099, A replaced by G.
Protein change: p.Ile367Val; replaces isoleucine 367 with valine.
Molecular consequence: missense variant.
Genome position (GRCh38, 1-based): chr17:62,029,924, T>C on the plus strand (A>G on the coding strand, the complement: MED13 is on the minus strand). VCF-style: chr17-62029924-T-C. GRCh37 (hg19) VCF-style: chr17-60107285-T-C.
Other names: short protein forms I367V.
Identifiers: ClinVar variation 1690515 (VCV001690515.2), dbSNP rs376403358, ClinGen allele CA292848548.